The following is an entry in ClinVar:

NM_015937.6(PIGT):c.1362C>T (p.Thr454=)

Gene: PIGT (phosphatidylinositol glycan anchor biosynthesis class T; plus strand). Cytogenetic location: 20q13.12.
Variant type: single nucleotide variant.
Coding change: c.1362C>T on transcript NM_015937.6 (MANE Select); coding-DNA position 1362, C replaced by T.
Protein change: p.Thr454=; no amino-acid change (threonine 454 retained).
Molecular consequence: synonymous variant. On other transcripts: non-coding transcript variant (5).
Genome position (GRCh38, 1-based): chr20:45,424,343, C>T. VCF-style: chr20-45424343-C-T. GRCh37 (hg19) VCF-style: chr20-44052983-C-T.
Other names: c.1161C>T, p.Thr387= (NM_001184729.3); c.1056C>T, p.Thr352= (NM_001184730.3); c.1194C>T, p.Thr398= (NM_001184728.3).
Identifiers: ClinVar variation 2761305 (VCV002761305.13), dbSNP rs60575775, ClinGen allele CA9878224.

ClinVar aggregate classification (germline): Likely benign. Review status: criteria provided, multiple submitters, no conflicts (2 of 4 stars). 2 submissions from 2 submitters: Likely benign (2). Last evaluated 2025-05-01.

Conditions:
Multiple congenital anomalies-hypotonia-seizures syndrome 3 (MCAHS3). Also called: GLYCOSYLPHOSPHATIDYLINOSITOL BIOSYNTHESIS DEFECT 7. Identifiers: Orphanet 369837, MedGen C3809356, MONDO:0014165, OMIM 615398.

Allele frequency attached by ClinVar (database versions not stated): ExAC 0.00002; TOPMed 0.00002; gnomAD 0.00003; gnomAD exomes 0.00005.
gnomAD v4.1: 80 of 1,614,052 alleles (0.005%); highest among the groups gnomAD compares: Middle Eastern, 0.016%; no homozygotes.

Submissions (2):

CeGaT Center for Human Genetics Tuebingen
Classification: Likely benign. Last evaluated: 2025-05-01. Review status: criteria provided, single submitter. Criteria: CeGaT Center For Human Genetics Tuebingen Variant Classification Criteria Version 2. Collection method: clinical testing. Allele origin: germline. Affected: yes. Observed: 1 variant allele.
Comment: PIGT: BP4, BP7

Labcorp Genetics (formerly Invitae), Labcorp
Classification: Likely benign for Multiple congenital anomalies-hypotonia-seizures syndrome 3. Last evaluated: 2025-04-28. Review status: criteria provided, single submitter. Criteria: Invitae Variant Classification Sherloc (09022015). Collection method: clinical testing. Allele origin: germline.